The following is an entry in ClinVar:

NM_012082.4(ZFPM2):c.1100A>G (p.His367Arg)

Genes: ZFPM2 (zinc finger protein, FOG family member 2; plus strand), ZFPM2-AS1 (ZFPM2 antisense RNA 1; minus strand). Cytogenetic location: 8q23.1.
Variant type: single nucleotide variant.
Coding change: c.1100A>G on transcript NM_012082.4 (MANE Select); coding-DNA position 1100, A replaced by G.
Protein change: p.His367Arg; replaces histidine 367 with arginine.
Molecular consequence: missense variant.
Genome position (GRCh38, 1-based): chr8:105,801,182, A>G. VCF-style: chr8-105801182-A-G. GRCh37 (hg19) VCF-style: chr8-106813410-A-G.
Other names: c.941A>G, p.His314Arg (NM_001362836.2); c.704A>G, p.His235Arg (NM_001362837.2); short protein forms H235R, H314R, H367R.
Identifiers: ClinVar variation 2630699 (VCV002630699.1), dbSNP rs1813993101, ClinGen allele CA371948112.

ClinVar aggregate classification (germline): Uncertain significance (1 of 4 stars; one submission).

Conditions:
ZFPM2-related disorder. Also called: ZFPM2-related condition.

Submission:

PreventionGenetics, part of Exact Sciences
Classification: Uncertain significance for ZFPM2-related condition. Last evaluated: 2023-09-06. Review status: criteria provided, single submitter. Criteria: ACMG Guidelines, 2015. Collection method: clinical testing. Allele origin: germline.
Comment: The ZFPM2 c.1100A>G variant is predicted to result in the amino acid substitution p.His367Arg. To our knowledge, this variant has not been reported in the literature or in a large population database, indicating this variant is rare. At this time, the clinical significance of this variant is uncertain due to the absence of conclusive functional and genetic evidence.